The following is an entry in ClinVar:

ClinVar aggregate classification (germline): Likely benign. Review status: criteria provided, multiple submitters, no conflicts (2 of 4 stars). 4 submissions from 4 submitters: Likely benign (4). Last evaluated 2025-09-17.

Conditions:
Cardiovascular phenotype. Identifiers: MedGen CN230736.
Catecholaminergic polymorphic ventricular tachycardia (CVPT). Also called: Catecholamine-induced polymorphic ventricular tachycardia. Identifiers: Orphanet 3286, MedGen C5574922, MONDO:0017990.
Cardiomyopathy (CMYO). Also called: Cardiomyopathies. Identifiers: Orphanet 167848, MedGen C0878544, MONDO:0004994, HP:0001638. Inheritance: Various modes of inheritance.
Catecholaminergic polymorphic ventricular tachycardia 1. Also called: VENTRICULAR TACHYCARDIA, CATECHOLAMINERGIC POLYMORPHIC, 1, WITH OR WITHOUT ATRIAL DYSFUNCTION AND/OR DILATED CARDIOMYOPATHY; VENTRICULAR TACHYCARDIA, STRESS-INDUCED POLYMORPHIC 1; RYR2-Related Catecholaminergic Polymorphic Ventricular Tachycardia. Identifiers: Orphanet 3286, MedGen C1631597, MONDO:0011484, OMIM 604772.

Submissions (4):

Ambry Genetics
Classification: Likely benign for Cardiovascular phenotype. Last evaluated: 2025-09-17. Review status: criteria provided, single submitter. Criteria: Ambry Variant Classification Scheme 2023. Collection method: clinical testing. Allele origin: germline.

All of Us Research Program, National Institutes of Health
Classification: Likely benign for Catecholaminergic polymorphic ventricular tachycardia. Last evaluated: 2023-09-17. Review status: criteria provided, single submitter. Criteria: ACMG Guidelines, 2015. Collection method: clinical testing. Allele origin: germline. Inheritance: Autosomal dominant inheritance. Observed: 1 variant allele, 1 heterozygote.
Comment: This study involves interpretation of variants in research participants for the purpose of population health screening. Participant phenotype was not available at the time of variant classification. Additional details can be found in publication PMID: 35346344, PMCID: PMC8962531

Labcorp Genetics (formerly Invitae), Labcorp
Classification: Likely benign for Catecholaminergic polymorphic ventricular tachycardia 1. Last evaluated: 2023-02-28. Review status: criteria provided, single submitter. Criteria: Invitae Variant Classification Sherloc (09022015). Collection method: clinical testing. Allele origin: germline.

Color Diagnostics, LLC DBA Color Health
Classification: Likely benign for Cardiomyopathy. Last evaluated: 2018-11-09. Review status: criteria provided, single submitter. Criteria: ACMG Guidelines, 2015. Collection method: clinical testing. Allele origin: germline.

NM_001035.3(RYR2):c.12990G>T (p.Leu4330=)

Genes: RYR2 (ryanodine receptor 2; plus strand), LOC126806068 (BRD4-independent group 4 enhancer GRCh37_chr1:237947411-237948610; plus strand). Cytogenetic location: 1q43.
Variant type: single nucleotide variant.
Coding change: c.12990G>T on transcript NM_001035.3 (MANE Select); coding-DNA position 12990, G replaced by T.
Protein change: p.Leu4330=; no amino-acid change (leucine 4330 retained).
Molecular consequence: synonymous variant.
Genome position (GRCh38, 1-based): chr1:237,784,702, G>T. VCF-style: chr1-237784702-G-T. GRCh37 (hg19) VCF-style: chr1-237948002-G-T.
Other names: c.12990G>T (NM_001035.2).
Identifiers: ClinVar variation 926557 (VCV000926557.9), dbSNP rs1558407591, ClinGen allele CA424032533.